The following is an entry in ClinVar:

ClinVar aggregate classification (germline): Likely benign (1 of 4 stars; one submission).

gnomAD v4.1: 14 of 1,238,112 alleles (0.0011%); highest among the groups gnomAD compares: Admixed American, 0.0085%; no homozygotes.

Submission:

CeGaT Center for Human Genetics Tuebingen
Classification: Likely benign. Last evaluated: 2026-03-01. Review status: criteria provided, single submitter. Criteria: CeGaT Center For Human Genetics Tuebingen Variant Classification Criteria Version 2. Collection method: clinical testing. Allele origin: germline. Affected: yes. Observed: 1 variant allele.
Comment: LETM1: BP4, BP7

NM_012318.3(LETM1):c.42C>T (p.Pro14=)

Gene: LETM1 (leucine zipper and EF-hand containing transmembrane protein 1; minus strand). Cytogenetic location: 4p16.3.
Variant type: single nucleotide variant.
Coding change: c.42C>T on transcript NM_012318.3 (MANE Select); coding-DNA position 42, C replaced by T.
Protein change: p.Pro14=; no amino-acid change (proline 14 retained).
Molecular consequence: synonymous variant.
Genome position (GRCh38, 1-based): chr4:1,855,909, G>A on the plus strand (C>T on the coding strand, the complement: LETM1 is on the minus strand). VCF-style: chr4-1855909-G-A. GRCh37 (hg19) VCF-style: chr4-1857636-G-A.
Identifiers: ClinVar variation 4821535 (VCV004821535.4).